The following is an entry in ClinVar:

ClinVar aggregate classification (germline): Uncertain significance (1 of 4 stars; one submission).

Allele frequency attached by ClinVar (database versions not stated): gnomAD exomes below 0.00001; ExAC 0.00002; gnomAD 0.00002; TOPMed 0.00003; ESP Exome Variant Server 0.00008.
gnomAD v4.1: 6 of 1,612,006 alleles (0.00037%); highest among the groups gnomAD compares: African/African-American, 0.008%; no homozygotes.

Submission:

Labcorp Genetics (formerly Invitae), Labcorp
Classification: Uncertain significance. Last evaluated: 2021-12-24. Review status: criteria provided, single submitter. Criteria: Invitae Variant Classification Sherloc (09022015). Collection method: clinical testing. Allele origin: germline.
Comment: This sequence change replaces proline, which is neutral and non-polar, with serine, which is neutral and polar, at codon 107 of the PCDH15 protein (p.Pro107Ser). This variant is present in population databases (rs372716511, gnomAD 0.01%). This variant has not been reported in the literature in individuals affected with PCDH15-related conditions. Algorithms developed to predict the effect of missense changes on protein structure and function are either unavailable or do not agree on the potential impact of this missense change (SIFT: "Tolerated"; PolyPhen-2: "Probably Damaging"; Align-GVGD: "Class C0"). In summary, the available evidence is currently insufficient to determine the role of this variant in disease. Therefore, it has been classified as a Variant of Uncertain Significance.

NM_001384140.1(PCDH15):c.319C>T (p.Pro107Ser)

Gene: PCDH15 (protocadherin related 15; minus strand). Cytogenetic location: 10q21.1.
Variant type: single nucleotide variant.
Coding change: c.319C>T on transcript NM_001384140.1 (MANE Select); coding-DNA position 319, C replaced by T.
Protein change: p.Pro107Ser; replaces proline 107 with serine.
Molecular consequence: missense variant.
Genome position (GRCh38, 1-based): chr10:54,369,275, G>A on the plus strand (C>T on the coding strand, the complement: PCDH15 is on the minus strand). VCF-style: chr10-54369275-G-A. GRCh37 (hg19) VCF-style: chr10-56129035-G-A.
Other names: c.334C>T, p.Pro112Ser (NM_001142763.2, NM_001142769.4, NM_001142771.2); c.319C>T, p.Pro107Ser (NM_001142764.2, NM_001142765.2, NM_001142766.2 and 8 more transcripts); c.253C>T, p.Pro85Ser (NM_001142768.2, NM_001142773.2, NM_001354404.2); short protein forms P85S, P112S, P107S.
Identifiers: ClinVar variation 1357328 (VCV001357328.3), dbSNP rs372716511, ClinGen allele CA5506715.